The following is an entry in ClinVar:

NM_014362.4(HIBCH):c.470G>A (p.Arg157Gln)

Gene: HIBCH (3-hydroxyisobutyryl-CoA hydrolase; minus strand). Cytogenetic location: 2q32.2.
Variant type: single nucleotide variant.
Coding change: c.470G>A on transcript NM_014362.4 (MANE Select); coding-DNA position 470, G replaced by A.
Protein change: p.Arg157Gln; replaces arginine 157 with glutamine.
Molecular consequence: missense variant.
Genome position (GRCh38, 1-based): chr2:190,261,203, C>T on the plus strand (G>A on the coding strand, the complement: HIBCH is on the minus strand). VCF-style: chr2-190261203-C-T. GRCh37 (hg19) VCF-style: chr2-191125929-C-T.
Other names: c.470G>A, p.Arg157Gln (NM_198047.3); short protein forms R157Q.
Identifiers: ClinVar variation 4879680 (VCV004879680.1).
Genomic context (GRCh38, chr2:190,261,203, plus strand): 5'-TCTGGTTGTTTACCTATTGCAGTTTCTGGCATAGCAAAAAGACACTTTTCTGTAGCCACT[C>T]GAAATTGCCCATGGACTGAGAGACCAACTCCCTAGAGAAAAAAGGCAAAAAAAGAGGCGG-3'
Protein context (NP_055177.2, residues 147-167): GVGLSVHGQF[Arg157Gln]VATEKCLFAM

ClinVar aggregate classification (germline): Uncertain significance (1 of 4 stars; one submission).

Conditions:
3-hydroxyisobutyryl-CoA hydrolase deficiency. Also called: Reduced circulating 3-hydroxyisobutyryl-CoA hydrolase activity; Deficiency of 3-hydroxyisobutyryl CoA hydrolase; HIBCH DEFICIENCY; METHACRYLIC ACID TOXICITY; METHACRYLIC ACIDURIA; VALINE METABOLIC DEFECT. Identifiers: Orphanet 88639, MedGen C0342738, MONDO:0009603, OMIM 250620, HP:6000215.

Submission:

Victorian Clinical Genetics Services, Murdoch Childrens Research Institute
Classification: Uncertain significance for 3-hydroxyisobutyryl-CoA hydrolase deficiency. Last evaluated: 2026-03-26. Review status: criteria provided, single submitter. Criteria: ACMG Guidelines, 2015. Collection method: clinical testing. Allele origin: germline. Affected: yes.
Comment: This variant is classified as VUS-3A. Evidence in support of pathogenic classification: Variant is present in gnomAD <0.01 for a recessive condition (v4: 2 heterozygote(s), 0 homozygote(s)); Functional evidence supporting abnormal protein function. Proteomics completed on this individual's fibroblasts showed a significant reduction in HIBCH levels compared to controls (PMID: 40400026). Additionally, respiratory chain enzymology on this individual's muscle showed an isolated complex I defect; Missense variant predicted to be damaging by in silico tool(s) or highly conserved with a major amino acid change. Additional information: Variant is predicted to result in a missense amino acid change from Arg to Gln; This variant is heterozygous; This gene is associated with autosomal recessive disease; Alternative amino acid change(s) at the same position are present in gnomAD (v4: 1 heterozygote(s), 0 homozygote(s)); This variant has no previous evidence of pathogenicity; No published evidence of segregation with disease has been identified for this variant; No comparable missense variants have previous evidence for pathogenicity; Variant is located in the annotated enoyl-CoA hydratase/isomerase domain (DECIPHER); Loss of function is a known mechanism of disease in this gene and is associated with 3-hydroxyisobutryl-CoA hydrolase deficiency (MIM#250620) - Inheritance information for this variant is not currently available in this individual.

Literature cited by the submitters: PubMed 40400026.